The following is an entry in ClinVar:

ClinVar aggregate classification (germline): Pathogenic. Review status: criteria provided, single submitter (1 of 4 stars). 2 submissions from 2 submitters: Pathogenic (1). 1 of the submissions does not count toward it. Last evaluated 2025-10-02.

Conditions:
Atypical hemolytic-uremic syndrome. Identifiers: Orphanet 2134, MedGen C2931788, MONDO:0016244.
Atypical hemolytic-uremic syndrome with MCP/CD46 anomaly. Also called: HEMOLYTIC UREMIC SYNDROME, ATYPICAL, SUSCEPTIBILITY TO, 2; AHUS, SUSCEPTIBILITY TO, 2. Identifiers: Orphanet 2134, MedGen C2752040, MONDO:0013040, OMIM 612922.

Allele frequency attached by ClinVar (database versions not stated): TOPMed below 0.00001; gnomAD 0.00001.

Submissions (2):

Genomenon, Inc
Classification: Pathogenic for Atypical hemolytic-uremic syndrome. Last evaluated: 2025-10-02. Review status: criteria provided, single submitter. Criteria: Genomenon Sequence Variant Interpretation Standards. Collection method: curation. Allele origin: germline. Affected: yes.
Comment: CD46 c.98-1G>C is a canonical splice variant located in the acceptor splice region in intron 1. It is predicted to affect mRNA splicing, leading to a deleterious effect on the CD46 protein. This variant has been observed in at least one proband affected with atypical hemolytic-uremic syndrome (PMID:34169201;16621965). The variant was found to segregate with disease in at least one affected family (PMID:16621965). It is absent or not present at a significant frequency in gnomAD. In conclusion, we classify CD46 c.98-1G>C as a pathogenic variant.

OMIM
Classification: risk factor for HEMOLYTIC UREMIC SYNDROME, ATYPICAL, SUSCEPTIBILITY TO, 2. Last evaluated: 2006-08-15. Review status: no assertion criteria provided. Collection method: literature only. Allele origin: germline. Not counted in ClinVar's aggregate classification.

Literature cited by the submitters: PubMed 16621965 (cited by Genomenon, Inc and OMIM); PubMed 34169201 (cited by Genomenon, Inc).

NM_172351.3(CD46):c.98-1G>C

Gene: CD46 (CD46 molecule; plus strand). Cytogenetic location: 1q32.2.
Variant type: single nucleotide variant.
Coding change: c.98-1G>C on transcript NM_172351.3 (MANE Select); the canonical splice acceptor site of the intron before coding-DNA position 98, G replaced by C.
Molecular consequence: splice acceptor variant.
Genome position (GRCh38, 1-based): chr1:207,757,013, G>C. VCF-style: chr1-207757013-G-C. GRCh37 (hg19) VCF-style: chr1-207930358-G-C.
Other names: IVS1AS, G-C, -1; c.98-1G>C (NM_002389.4, NM_172359.3, NM_153826.4 and 8 more transcripts).
Identifiers: ClinVar variation 17047 (VCV000017047.2), dbSNP rs1441937053, ClinGen allele CA344547888.